The following is an entry in ClinVar:

NM_018011.4(ARGLU1):c.556G>A (p.Ala186Thr)

Gene: ARGLU1 (arginine and glutamate rich 1; minus strand). Cytogenetic location: 13q33.3.
Variant type: single nucleotide variant.
Coding change: c.556G>A on transcript NM_018011.4 (MANE Select); coding-DNA position 556, G replaced by A.
Protein change: p.Ala186Thr; replaces alanine 186 with threonine.
Molecular consequence: missense variant.
Genome position (GRCh38, 1-based): chr13:106,559,449, C>T on the plus strand (G>A on the coding strand, the complement: ARGLU1 is on the minus strand). VCF-style: chr13-106559449-C-T. GRCh37 (hg19) VCF-style: chr13-107211797-C-T.
Other names: short protein forms A186T.
Identifiers: ClinVar variation 3052693 (VCV003052693.2), dbSNP rs199711363, ClinGen allele CA7042952.

ClinVar aggregate classification (germline): Benign (0 of 4 stars; one submission).

Conditions:
ARGLU1-related disorder. Also called: ARGLU1-related condition.

Allele frequency attached by ClinVar (database versions not stated): gnomAD exomes 0.00029; ESP Exome Variant Server 0.00033; gnomAD 0.00033; TOPMed 0.00040; ExAC 0.00042.

Submission:

PreventionGenetics, part of Exact Sciences
Classification: Benign for ARGLU1-related condition. Last evaluated: 2019-09-05. Review status: no assertion criteria provided. Collection method: clinical testing. Allele origin: germline.
Comment: This variant is classified as benign based on ACMG/AMP sequence variant interpretation guidelines (Richards et al. 2015 PMID: 25741868, with internal and published modifications).